The following is an entry in ClinVar:

ClinVar aggregate classification (germline): Uncertain significance. Review status: criteria provided, multiple submitters, no conflicts (2 of 4 stars). 2 submissions from 2 submitters: Uncertain significance (2). Last evaluated 2025-01-18.

Conditions:
Cardiovascular phenotype. Identifiers: MedGen CN230736.
Dilated cardiomyopathy 1JJ (CMD1JJ). Identifiers: Orphanet 154, MedGen C3808935, MONDO:0014095, OMIM 615235.

Submissions (2):

Ambry Genetics
Classification: Uncertain significance for Cardiovascular phenotype. Last evaluated: 2025-01-18. Review status: criteria provided, single submitter. Criteria: Ambry Variant Classification Scheme 2023. Collection method: clinical testing. Allele origin: germline.

Labcorp Genetics (formerly Invitae), Labcorp
Classification: Uncertain significance for Dilated cardiomyopathy 1JJ. Last evaluated: 2023-09-28. Review status: criteria provided, single submitter. Criteria: Invitae Variant Classification Sherloc (09022015). Collection method: clinical testing. Allele origin: germline.
Comment: In summary, the available evidence is currently insufficient to determine the role of this variant in disease. Therefore, it has been classified as a Variant of Uncertain Significance. An algorithm developed to predict the effect of missense changes on protein structure and function (PolyPhen-2) suggests that this variant is likely to be tolerated. ClinVar contains an entry for this variant (Variation ID: 1768786). This variant has not been reported in the literature in individuals affected with LAMA4-related conditions. This variant is present in population databases (rs782558801, gnomAD 0.0009%). This sequence change replaces asparagine, which is neutral and polar, with aspartic acid, which is acidic and polar, at codon 333 of the LAMA4 protein (p.Asn333Asp).

NM_001105206.3(LAMA4):c.1018A>G (p.Asn340Asp)

Gene: LAMA4 (laminin subunit alpha 4; minus strand). Cytogenetic location: 6q21.
Variant type: single nucleotide variant.
Coding change: c.1018A>G on transcript NM_001105206.3 (MANE Select); coding-DNA position 1018, A replaced by G.
Protein change: p.Asn340Asp; replaces asparagine 340 with aspartic acid.
Molecular consequence: missense variant.
Genome position (GRCh38, 1-based): chr6:112,185,296, T>C on the plus strand (A>G on the coding strand, the complement: LAMA4 is on the minus strand). VCF-style: chr6-112185296-T-C. GRCh37 (hg19) VCF-style: chr6-112506498-T-C.
Other names: c.997A>G, p.Asn333Asp (NM_001105207.3, NM_002290.5); short protein forms N340D, N333D.
Identifiers: ClinVar variation 1768786 (VCV001768786.6), dbSNP rs782558801, ClinGen allele CA3965922.